The following is an entry in ClinVar:

NM_001128840.3(CACNA1D):c.3645C>G (p.Ile1215Met)

Gene: CACNA1D (calcium voltage-gated channel subunit alpha1 D; plus strand). Cytogenetic location: 3p21.1.
Variant type: single nucleotide variant.
Coding change: c.3645C>G on transcript NM_001128840.3 (MANE Select); coding-DNA position 3645, C replaced by G.
Protein change: p.Ile1215Met; replaces isoleucine 1215 with methionine.
Molecular consequence: missense variant.
Genome position (GRCh38, 1-based): chr3:53,751,877, C>G. VCF-style: chr3-53751877-C-G. GRCh37 (hg19) VCF-style: chr3-53785904-C-G.
Other names: c.3705C>G, p.Ile1235Met (NM_000720.4); c.3645C>G, p.Ile1215Met (NM_001128839.3); short protein forms I1215M, I1235M.
Identifiers: ClinVar variation 1936588 (VCV001936588.5), dbSNP rs146981828, ClinGen allele CA74874470.

ClinVar aggregate classification (germline): Uncertain significance (1 of 4 stars; one submission).

Allele frequency attached by ClinVar (database versions not stated): ESP Exome Variant Server 0.00008.

Submission:

Labcorp Genetics (formerly Invitae), Labcorp
Classification: Uncertain significance. Last evaluated: 2022-09-21. Review status: criteria provided, single submitter. Criteria: Invitae Variant Classification Sherloc (09022015). Collection method: clinical testing. Allele origin: germline.
Comment: This variant has not been reported in the literature in individuals affected with CACNA1D-related conditions. This variant is not present in population databases (gnomAD no frequency). This sequence change replaces isoleucine, which is neutral and non-polar, with methionine, which is neutral and non-polar, at codon 1235 of the CACNA1D protein (p.Ile1235Met). In summary, the available evidence is currently insufficient to determine the role of this variant in disease. Therefore, it has been classified as a Variant of Uncertain Significance. Advanced modeling of protein sequence and biophysical properties (such as structural, functional, and spatial information, amino acid conservation, physicochemical variation, residue mobility, and thermodynamic stability) performed at Invitae indicates that this missense variant is expected to disrupt CACNA1D protein function.